The following is an entry in ClinVar:

ClinVar aggregate classification (germline): Uncertain significance (1 of 4 stars; one submission).

Conditions:
Ehlers-Danlos syndrome, type 4 (EDSVASC). Also called: Ehlers-Danlos syndrome vascular type; Ehlers Danlos syndrome, ecchymotic type; Ehlers Danlos syndrome, arterial type; Ehlers Danlos syndrome, Sack-Barabas type; Ehlers-Danlos Syndrome Type IV. Identifiers: Orphanet 286, MedGen C0268338, MONDO:0017314, OMIM 130050.

gnomAD v4.1: 1 of 1,604,870 alleles (0.000062%); highest among the groups gnomAD compares: South Asian, 0.0011%; no homozygotes.

Submission:

Labcorp Genetics (formerly Invitae), Labcorp
Classification: Uncertain significance for Ehlers-Danlos syndrome, type 4. Last evaluated: 2024-07-14. Review status: criteria provided, single submitter. Criteria: Invitae Variant Classification Sherloc (09022015). Collection method: clinical testing. Allele origin: germline.
Comment: This sequence change falls in intron 8 of the COL3A1 gene. It does not directly change the encoded amino acid sequence of the COL3A1 protein. It affects a nucleotide within the consensus splice site. This variant is not present in population databases (gnomAD no frequency). This variant has not been reported in the literature in individuals affected with COL3A1-related conditions. Variants that disrupt the consensus splice site are a relatively common cause of aberrant splicing (PMID: 17576681, 9536098). Algorithms developed to predict the effect of sequence changes on RNA splicing suggest that this variant is not likely to affect RNA splicing. In summary, the available evidence is currently insufficient to determine the role of this variant in disease. Therefore, it has been classified as a Variant of Uncertain Significance.

Literature cited by the submitters: PubMed 17576681; PubMed 9536098.

NM_000090.4(COL3A1):c.690+4A>C

Gene: COL3A1 (collagen type III alpha 1 chain; plus strand). Cytogenetic location: 2q32.2.
Variant type: single nucleotide variant.
Coding change: c.690+4A>C on transcript NM_000090.4 (MANE Select); 4 bases into the intron after coding-DNA position 690, A replaced by C.
Molecular consequence: intron variant.
Genome position (GRCh38, 1-based): chr2:188,989,453, A>C. VCF-style: chr2-188989453-A-C. GRCh37 (hg19) VCF-style: chr2-189854179-A-C.
Identifiers: ClinVar variation 3668044 (VCV003668044.2).